The following is an entry in ClinVar:

NM_000064.4(C3):c.1616G>A (p.Gly539Asp)

Gene: C3 (complement C3; minus strand). Cytogenetic location: 19p13.3.
Variant type: single nucleotide variant.
Coding change: c.1616G>A on transcript NM_000064.4 (MANE Select); coding-DNA position 1616, G replaced by A.
Protein change: p.Gly539Asp; replaces glycine 539 with aspartic acid.
Molecular consequence: missense variant.
Genome position (GRCh38, 1-based): chr19:6,710,709, C>T on the plus strand (G>A on the coding strand, the complement: C3 is on the minus strand). VCF-style: chr19-6710709-C-T. GRCh37 (hg19) VCF-style: chr19-6710720-C-T.
Other names: short protein forms G539D.
Identifiers: ClinVar variation 3729717 (VCV003729717.2).
Genomic context (GRCh38, chr19:6,710,709, plus strand): 5'-CAGGAGTCCTTGACGTCCACCCACACGGAGTCGGCCACCACCTCCCTCTGGCCGCTGGCA[C>T]CGATCAGCGTGTAGTACGCCACCAGGCGGAAGGAAGGGATGAAGTCGGTGGTGATGGACA-3'
Protein context (NP_000055.2, residues 529-549): FRLVAYYTLI[Gly539Asp]ASGQREVVAD

ClinVar aggregate classification (germline): Uncertain significance (1 of 4 stars; one submission).

Submission:

Labcorp Genetics (formerly Invitae), Labcorp
Classification: Uncertain significance. Last evaluated: 2025-01-28. Review status: criteria provided, single submitter. Criteria: Invitae Variant Classification Sherloc (09022015). Collection method: clinical testing. Allele origin: germline.
Comment: This sequence change replaces glycine, which is neutral and non-polar, with aspartic acid, which is acidic and polar, at codon 539 of the C3 protein (p.Gly539Asp). This variant is not present in population databases (gnomAD no frequency). This variant has not been reported in the literature in individuals affected with C3-related conditions. An algorithm developed to predict the effect of missense changes on protein structure and function outputs the following: PolyPhen-2: "Benign". The aspartic acid amino acid residue is found in multiple mammalian species, which suggests that this missense change does not adversely affect protein function. In summary, the available evidence is currently insufficient to determine the role of this variant in disease. Therefore, it has been classified as a Variant of Uncertain Significance.